The following is an entry in ClinVar:

NM_032737.4(LMNB2):c.53C>T (p.Ala18Val)

Genes: LMNB2 (lamin B2; minus strand), LOC130063066 (ATAC-STARR-seq lymphoblastoid silent region 9792; plus strand). Cytogenetic location: 19p13.3.
Variant type: single nucleotide variant.
Coding change: c.53C>T on transcript NM_032737.4 (MANE Select); coding-DNA position 53, C replaced by T.
Protein change: p.Ala18Val; replaces alanine 18 with valine.
Molecular consequence: missense variant.
Genome position (GRCh38, 1-based): chr19:2,456,881, G>A on the plus strand (C>T on the coding strand, the complement: LMNB2 is on the minus strand). VCF-style: chr19-2456881-G-A. GRCh37 (hg19) VCF-style: chr19-2456879-G-A.
Other names: short protein forms A18V.
Identifiers: ClinVar variation 2949002 (VCV002949002.3), dbSNP rs2145479523, ClinGen allele CA403260148.

ClinVar aggregate classification (germline): Uncertain significance (1 of 4 stars; one submission).

Conditions:
Progressive myoclonic epilepsy type 9. Identifiers: Orphanet 457265, MedGen C4225289, MONDO:0014685, OMIM 616540.
Lipodystrophy, partial, acquired, susceptibility to (APLD). Also called: APLD, SUSCEPTIBILITY TO. Identifiers: MedGen C3887501, MONDO:0100476, OMIM 608709.

Submission:

Labcorp Genetics (formerly Invitae), Labcorp
Classification: Uncertain significance for Progressive myoclonic epilepsy type 9; Lipodystrophy, partial, acquired, susceptibility to. Last evaluated: 2023-06-18. Review status: criteria provided, single submitter. Criteria: Invitae Variant Classification Sherloc (09022015). Collection method: clinical testing. Allele origin: germline.
Comment: The frequency data for this variant in the population databases is considered unreliable, as metrics indicate insufficient coverage at this position in the gnomAD database. In summary, the available evidence is currently insufficient to determine the role of this variant in disease. Therefore, it has been classified as a Variant of Uncertain Significance. An algorithm developed to predict the effect of missense changes on protein structure and function (PolyPhen-2) suggests that this variant is likely to be tolerated. This variant has not been reported in the literature in individuals affected with LMNB2-related conditions. This sequence change replaces alanine, which is neutral and non-polar, with valine, which is neutral and non-polar, at codon 18 of the LMNB2 protein (p.Ala18Val).